The following is an entry in ClinVar:

ClinVar aggregate classification (germline): Conflicting classifications of pathogenicity. Review status: criteria provided, conflicting classifications (1 of 4 stars). 5 submissions from 5 submitters: Uncertain significance (4); Likely benign (1). Last evaluated 2023-03-14.

Conditions:
Osteogenesis imperfecta type 8 (OI8). Identifiers: MedGen C1970458, MONDO:0012581, OMIM 610915.

Allele frequency attached by ClinVar (database versions not stated): ExAC below 0.00001; gnomAD 0.00003; TOPMed 0.00003; gnomAD exomes 0.00004.
gnomAD v4.1: 50 of 1,552,774 alleles (0.0032%); highest among the groups gnomAD compares: Middle Eastern, 0.15%; no homozygotes.

Submissions (5):

GeneDx
Classification: Likely benign. Last evaluated: 2023-03-14. Review status: criteria provided, single submitter. Criteria: GeneDx Variant Classification Process June 2021. Collection method: clinical testing. Allele origin: germline. Affected: yes.
Comment: See Variant Classification Assertion Criteria.

Women's Health and Genetics/Laboratory Corporation of America, LabCorp
Classification: Uncertain significance. Last evaluated: 2022-10-01. Review status: criteria provided, single submitter. Criteria: LabCorp Variant Classification Summary - May 2015. Collection method: clinical testing. Allele origin: germline.
Comment: Variant summary: P3H1 c.2164C>A (p.Gln722Lys) results in a conservative amino acid change in the encoded protein sequence. Five of five in-silico tools predict a benign effect of the variant on protein function. The variant allele was found at a frequency of 3.8e-05 in 158866 control chromosomes (gnomAD). The available data on variant occurrences in the general population are insufficient to allow any conclusion about variant significance. c.2164C>A has been reported in the literature in the homozygous state in a consanguinous family affected with Childhood onset Neurodegeneration, however, segregation analysis indicated that a homozygous frameshift in SQSTM1 was determined to be the cause of the observed phenotype (Haack_2016). Therefore, this report does not provide unequivocal conclusions about association of the variant with Osteogenesis Imperfecta. To our knowledge, no experimental evidence demonstrating an impact on protein function has been reported. Two ClinVar submitters have assessed this variant since 2014: both classified the variant as uncertain significance. Based on the evidence outlined above, the variant was classified as uncertain significance.

Labcorp Genetics (formerly Invitae), Labcorp
Classification: Uncertain significance for Osteogenesis imperfecta type 8. Last evaluated: 2022-04-13. Review status: criteria provided, single submitter. Criteria: Invitae Variant Classification Sherloc (09022015). Collection method: clinical testing. Allele origin: germline.
Comment: This sequence change replaces glutamine, which is neutral and polar, with lysine, which is basic and polar, at codon 722 of the P3H1 protein (p.Gln722Lys). This variant is present in population databases (rs771006240, gnomAD 0.005%). This variant has not been reported in the literature in individuals affected with P3H1-related conditions. ClinVar contains an entry for this variant (Variation ID: 288206). Algorithms developed to predict the effect of missense changes on protein structure and function (SIFT, PolyPhen-2, Align-GVGD) all suggest that this variant is likely to be tolerated. In summary, the available evidence is currently insufficient to determine the role of this variant in disease. Therefore, it has been classified as a Variant of Uncertain Significance.

Eurofins Ntd Llc (ga)
Classification: Uncertain significance. Last evaluated: 2016-06-28. Review status: criteria provided, single submitter. Criteria: EGL Classification Definitions 2015. Collection method: clinical testing. Allele origin: germline. Observed: 1 variant allele, 1 heterozygote.

Breakthrough Genomics
Classification: Uncertain significance. Review status: criteria provided, single submitter. Criteria: ACMG Guidelines, 2015. Collection method: not provided. Allele origin: germline. Inheritance: Autosomal recessive inheritance. Affected: yes.

Literature cited by the submitters: PubMed 27545679 (cited by Women's Health and Genetics/Laboratory Corporation of America, LabCorp).

NM_022356.4(P3H1):c.2164C>A (p.Gln722Lys)

Gene: P3H1 (prolyl 3-hydroxylase 1; minus strand). Cytogenetic location: 1p34.2.
Variant type: single nucleotide variant.
Coding change: c.2164C>A on transcript NM_022356.4 (MANE Select); coding-DNA position 2164, C replaced by A.
Protein change: p.Gln722Lys; replaces glutamine 722 with lysine.
Molecular consequence: missense variant. On other transcripts: 3 prime UTR variant (2).
Genome position (GRCh38, 1-based): chr1:42,746,744, G>T on the plus strand (C>A on the coding strand, the complement: P3H1 is on the minus strand). VCF-style: chr1-42746744-G-T. GRCh37 (hg19) VCF-style: chr1-43212415-G-T.
Other names: c.*89C>A (NM_001146289.2); c.*168C>A (NM_001243246.2); short protein forms Q722K.
Identifiers: ClinVar variation 288206 (VCV000288206.11), dbSNP rs771006240, ClinGen allele CA801502.